The following is an entry in ClinVar:

ClinVar aggregate classification (germline): Benign. Review status: criteria provided, single submitter (1 of 4 stars). 3 submissions from 3 submitters: Benign (1). 2 of the submissions do not count toward it. Last evaluated 2026-02-03.

Conditions:
Hereditary factor IX deficiency disease (HEMB). Also called: PLASMA THROMBOPLASTIN COMPONENT DEFICIENCY; Hemophilia B; F9 DEFICIENCY; FACTOR IX DEFICIENCY; Christmas Disease. Identifiers: Orphanet 98879, MedGen C0008533, MeSH D002836, MONDO:0010604, OMIM 306900.
Thrombophilia, X-linked, due to factor 9 defect. Identifiers: MedGen C2749016, MONDO:0010432, OMIM 300807.
F9-related disorder. Also called: F9-related condition.

Allele frequency attached by ClinVar (database versions not stated): 1000 Genomes Project 0.00026; gnomAD exomes 0.00027 and 0.00011; 1000 Genomes Project 30x 0.00042; gnomAD 0.00101 and 0.00113; ESP Exome Variant Server 0.00180; ExAC 0.00040; TOPMed 0.00125.
gnomAD v4.1: 233 of 1,209,478 alleles (0.019%); highest among the groups gnomAD compares: African/African-American, 0.38%; no homozygotes.

Submissions (3):

Labcorp Genetics (formerly Invitae), Labcorp
Classification: Benign for Thrombophilia, X-linked, due to factor 9 defect; Hereditary factor IX deficiency disease. Last evaluated: 2026-02-03. Review status: criteria provided, single submitter. Criteria: Invitae Variant Classification Sherloc (09022015). Collection method: clinical testing. Allele origin: germline.

Natera, Inc.
Classification: Likely benign for Hemophilia B. Last evaluated: 2020-01-16. Review status: no assertion criteria provided. Collection method: clinical testing. Allele origin: germline. Not counted in ClinVar's aggregate classification.

PreventionGenetics, part of Exact Sciences
Classification: Likely benign for F9-related condition. Last evaluated: 2019-10-28. Review status: no assertion criteria provided. Collection method: clinical testing. Allele origin: germline. Not counted in ClinVar's aggregate classification.
Comment: This variant is classified as likely benign based on ACMG/AMP sequence variant interpretation guidelines (Richards et al. 2015 PMID: 25741868, with internal and published modifications).

NM_000133.4(F9):c.696T>C (p.Asp232=)

Gene: F9 (coagulation factor IX; plus strand). Cytogenetic location: Xq27.1.
Variant type: single nucleotide variant.
Coding change: c.696T>C on transcript NM_000133.4 (MANE Select); coding-DNA position 696, T replaced by C.
Protein change: p.Asp232=; no amino-acid change (aspartic acid 232 retained).
Molecular consequence: synonymous variant.
Genome position (GRCh38, 1-based): chrX:139,551,237, T>C. VCF-style: chrX-139551237-T-C. GRCh37 (hg19) VCF-style: chrX-138633396-T-C.
Other names: c.582T>C, p.Asp194= (NM_001313913.2).
Identifiers: ClinVar variation 697096 (VCV000697096.14), dbSNP rs140835723, ClinGen allele CA10529820.